The following is an entry in ClinVar:

NM_020975.6(RET):c.2285-4T>G

Gene: RET (ret proto-oncogene; plus strand). Cytogenetic location: 10q11.21.
Variant type: single nucleotide variant.
Coding change: c.2285-4T>G on transcript NM_020975.6 (MANE Select); 4 bases into the intron before coding-DNA position 2285, T replaced by G.
Molecular consequence: intron variant.
Genome position (GRCh38, 1-based): chr10:43,118,369, T>G. VCF-style: chr10-43118369-T-G. GRCh37 (hg19) VCF-style: chr10-43613817-T-G.
Other names: c.2285-4T>G (NM_020630.7, NM_001406743.1, NM_001406744.1 and 2 more transcripts); c.2150-4T>G (NM_001406765.1, NM_001406763.1); c.1889-4T>G (NM_001406772.1, NM_001406769.1); c.1847-4T>G (NM_001406773.1, NM_001406771.1); c.1388-4T>G (NM_001406782.1, NM_001406780.1, NM_001406779.1 and 1 more transcripts); c.1253-4T>G (NM_001406787.1); c.1268-4T>G (NM_001406785.1); c.2156-4T>G (NM_001406764.1, NM_001406762.1, NM_001406761.1); and 10 more.
Identifiers: ClinVar variation 548893 (VCV000548893.16), dbSNP rs376601566, ClinGen allele CA038374.

ClinVar aggregate classification (germline): Benign/Likely benign. Review status: criteria provided, multiple submitters, no conflicts (2 of 4 stars). 4 submissions from 4 submitters: Benign (1); Likely benign (2). 1 of the submissions does not count toward it. Last evaluated 2024-09-30.

Conditions:
Hereditary cancer-predisposing syndrome. Also called: Hereditary Cancer Syndrome; Hereditary neoplastic syndrome; Tumor predisposition; Neoplastic Syndromes, Hereditary. Identifiers: Orphanet 140162, MedGen C0027672, MeSH D009386, MONDO:0015356.
Multiple endocrine neoplasia, type 2 (MEN2). Identifiers: Orphanet 653, MedGen C4048306, MONDO:0019003. Disease mechanism: gain of function.
Multiple endocrine neoplasia type 2A. Also called: MULTIPLE ENDOCRINE NEOPLASIA, TYPE IIA; PTC SYNDROME; SIPPLE SYNDROME; MEN 2A; MEN-2A syndrome; Pheochromocytoma and amyloid producing medullary thyroid carcinoma. Identifiers: Orphanet 247698, Orphanet 653, MedGen C0025268, MeSH D018813, MONDO:0008234, OMIM 171400.

Allele frequency attached by ClinVar (database versions not stated): gnomAD exomes 0.00001; ExAC 0.00002; TOPMed 0.00002; gnomAD 0.00003; ESP Exome Variant Server 0.00008.
gnomAD v4.1: 4 of 1,612,876 alleles (0.00025%); highest among the groups gnomAD compares: African/African-American, 0.0053%; no homozygotes.

Submissions (4):

Labcorp Genetics (formerly Invitae), Labcorp
Classification: Likely benign for Multiple endocrine neoplasia, type 2. Last evaluated: 2024-09-30. Review status: criteria provided, single submitter. Criteria: Invitae Variant Classification Sherloc (09022015). Collection method: clinical testing. Allele origin: germline.

Myriad Genetics, Inc.
Classification: Likely benign for Multiple endocrine neoplasia type 2A. Last evaluated: 2024-08-13. Review status: criteria provided, single submitter. Criteria: Myriad Autosomal Dominant, Autosomal Recessive and X-Linked Classification Criteria (2023). Collection method: clinical testing. Allele origin: unknown.
Comment: This variant is considered likely benign. This variant is intronic and is not expected to impact mRNA splicing. This variant has been observed at a population frequency that is significantly greater than expected given the associated disease prevalence and penetrance.

Ambry Genetics
Classification: Benign for Hereditary cancer-predisposing syndrome. Last evaluated: 2022-03-02. Review status: criteria provided, single submitter. Criteria: Ambry Variant Classification Scheme 2023. Collection method: clinical testing. Allele origin: germline.

Counsyl
Classification: Likely benign for Multiple endocrine neoplasia type 2A. Last evaluated: 2018-04-18. Review status: no assertion criteria provided. Collection method: clinical testing. Allele origin: unknown. Not counted in ClinVar's aggregate classification.